The following is an entry in ClinVar:

NM_000419.5(ITGA2B):c.1139G>T (p.Gly380Val)

Gene: ITGA2B (integrin subunit alpha 2b; minus strand). Cytogenetic location: 17q21.31.
Variant type: single nucleotide variant.
Coding change: c.1139G>T on transcript NM_000419.5 (MANE Select); coding-DNA position 1139, G replaced by T.
Protein change: p.Gly380Val; replaces glycine 380 with valine.
Molecular consequence: missense variant.
Genome position (GRCh38, 1-based): chr17:44,383,564, C>A on the plus strand (G>T on the coding strand, the complement: ITGA2B is on the minus strand). VCF-style: chr17-44383564-C-A. GRCh37 (hg19) VCF-style: chr17-42460932-C-A.
Other names: NM_000419.5:c.1139G>T; short protein forms G380V.
Identifiers: ClinVar variation 1691465 (VCV001691465.3), dbSNP rs766006685, ClinGen allele CA399804402.

ClinVar aggregate classification (germline): Uncertain significance (3 of 4 stars; one submission).

Conditions:
Glanzmann thrombasthenia. Also called: PLATELET GLYCOPROTEIN IIb-IIIa DEFICIENCY; Glanzmann's thrombasthenia; BLEEDING DISORDER, PLATELET-TYPE, 2; THROMBASTHENIA OF GLANZMANN AND NAEGELI; Thrombasthenia. Identifiers: Orphanet 849, MedGen C0040015, MONDO:0100326.

Submission:

ClinGen Platelet Disorders Variant Curation Expert Panel, ClinGen
Classification: Uncertain significance for Glanzmann thrombasthenia. Last evaluated: 2024-04-16. Review status: reviewed by expert panel. Criteria: ClinGen Platelet ACMG Specifications v2-1. Collection method: curation. Allele origin: germline. Inheritance: Autosomal recessive inheritance.
Comment: The ITGA2B missense variant NM_000419.5:c.1139G>T replaces the glycine residue with a valine residue (p.Gly380Val). This variant has been observed in homozygosity in one individual with a phenotype specific for Glanzmann's thrombasthenia (GT) (GT28, PMID: 16463284; PM3_supporting). All requirements for PP4_Moderate are met (GT28 in PMID: 16463284): history of bleeding and impaired aggregation to at least two agonists, but normal or only mildly reduced agglutination with ristocetin. This variant is absent from gnomADv4.0 (PM2_supporting) and the in silico meta-predictor REVEL score for this variant is 0.853, exceeding the VCEP-established threshold of ≥0.7 and suggestive of a damaging effect on protein function (PP3). Another missense change at this amino acid codon has been observed (c.1139G>A (p.Gly380Asp), Patient GM in PMID: 12083483) and classified as uncertain significance by the Platelet Disorders VCEP. In summary, this variant meets criteria to be classified as uncertain significance for GT. GT-specific criteria applied: PP4_moderate, PM2_supporting, PM3_supporting, and PP3.